The following is an entry in ClinVar:

ClinVar aggregate classification (germline): Uncertain significance. Review status: criteria provided, multiple submitters, no conflicts (2 of 4 stars). 3 submissions from 3 submitters: Uncertain significance (3). Last evaluated 2025-06-10.

Conditions:
Epilepsy, idiopathic generalized, susceptibility to, 18. Identifiers: MedGen C5561983, MONDO:0030434, OMIM 619521.
Sick sinus syndrome 2, autosomal dominant (SSS2). Also called: ATRIAL FIBRILLATION WITH BRADYARRHYTHMIA; SICK SINUS SYNDROME 2; SICK SINUS SYNDROME 2 WITH OR WITHOUT CARDIAC NONCOMPACTION AND/OR ASCENDING AORTA DILATION; SINUS BRADYCARDIA SYNDROME, FAMILIAL, AUTOSOMAL DOMINANT; SINUS NODE DISEASE, FAMILIAL, AUTOSOMAL DOMINANT. Identifiers: Orphanet 166282, MedGen C1834144, MONDO:0008102, OMIM 163800.
Brugada syndrome 8 (BRGDA8). Identifiers: Orphanet 130, MedGen C2751083, MONDO:0013148, OMIM 613123.

Allele frequency attached by ClinVar (database versions not stated): TOPMed below 0.00001; gnomAD 0.00001; gnomAD exomes 0.00001.
gnomAD v4.1: 9 of 1,614,042 alleles (0.00056%); highest among the groups gnomAD compares: Non-Finnish European, 0.00076%; no homozygotes.

Submissions (3):

Labcorp Genetics (formerly Invitae), Labcorp
Classification: Uncertain significance for Brugada syndrome 8. Last evaluated: 2025-06-10. Review status: criteria provided, single submitter. Criteria: Invitae Variant Classification Sherloc (09022015). Collection method: clinical testing. Allele origin: germline.
Comment: This sequence change replaces methionine, which is neutral and non-polar, with valine, which is neutral and non-polar, at codon 489 of the HCN4 protein (p.Met489Val). This variant is not present in population databases (gnomAD no frequency). This variant has not been reported in the literature in individuals affected with HCN4-related conditions. ClinVar contains an entry for this variant (Variation ID: 1390993). Invitae Evidence Modeling of protein sequence and biophysical properties (such as structural, functional, and spatial information, amino acid conservation, physicochemical variation, residue mobility, and thermodynamic stability) has been performed for this missense variant. However, the output from this modeling did not meet the statistical confidence thresholds required to predict the impact of this variant on HCN4 protein function. In summary, the available evidence is currently insufficient to determine the role of this variant in disease. Therefore, it has been classified as a Variant of Uncertain Significance.

Women's Health and Genetics/Laboratory Corporation of America, LabCorp
Classification: Uncertain significance. Last evaluated: 2024-04-17. Review status: criteria provided, single submitter. Criteria: LabCorp Variant Classification Summary - May 2015. Collection method: clinical testing. Allele origin: germline.
Comment: Variant summary: HCN4 c.1465A>G (p.Met489Val) results in a conservative amino acid change located in the Ion transport domain (IPR005821) of the encoded protein sequence. Four of five in-silico tools predict a damaging effect of the variant on protein function. The variant was absent in 251444 control chromosomes (gnomAD v2.1). To our knowledge, no occurrence of c.1465A>G in individuals affected with Sick Sinus Syndrome 2 and no experimental evidence demonstrating its impact on protein function have been reported. ClinVar contains an entry for this variant (Variation ID: 1390993). Based on the evidence outlined above, the variant was classified as uncertain significance.

Fulgent Genetics
Classification: Uncertain significance for Sick sinus syndrome 2, autosomal dominant; Brugada syndrome 8; Epilepsy, idiopathic generalized, susceptibility to, 18. Last evaluated: 2022-02-15. Review status: criteria provided, single submitter. Criteria: ACMG Guidelines, 2015. Collection method: clinical testing. Allele origin: unknown.

NM_005477.3(HCN4):c.1465A>G (p.Met489Val)

Gene: HCN4 (hyperpolarization activated cyclic nucleotide gated potassium channel 4; minus strand). Cytogenetic location: 15q24.1.
Variant type: single nucleotide variant.
Coding change: c.1465A>G on transcript NM_005477.3 (MANE Select); coding-DNA position 1465, A replaced by G.
Protein change: p.Met489Val; replaces methionine 489 with valine.
Molecular consequence: missense variant.
Genome position (GRCh38, 1-based): chr15:73,329,698, T>C on the plus strand (A>G on the coding strand, the complement: HCN4 is on the minus strand). VCF-style: chr15-73329698-T-C. GRCh37 (hg19) VCF-style: chr15-73622039-T-C.
Other names: short protein forms M489V.
Identifiers: ClinVar variation 1390993 (VCV001390993.10), dbSNP rs1157049194, ClinGen allele CA393093825.
Genomic context (GRCh38, chr15:73,329,698, plus strand): 5'-ACATGGCGTAGCAGGTGGCACCCACGATCATGCTGAGCATGGTGAGCCAGACGTCGGACA[T>C]GCCCACGGGCGCCTGCCGCCCGTAGCCGATGCACAGCATGTGGCTCATGGCCTTGAAGAG-3'
Protein context (NP_005468.1, residues 479-499): IGYGRQAPVG[Met489Val]SDVWLTMLSM